The following is an entry in ClinVar:

ClinVar aggregate classification (germline): Benign/Likely benign. Review status: criteria provided, multiple submitters, no conflicts (2 of 4 stars). 3 submissions from 3 submitters: Benign (2); Likely benign (1). Last evaluated 2026-01-21.

Conditions:
Immunodeficiency due to MASP-2 deficiency. Also called: MASP2 deficiency; LECTIN COMPLEMENT ACTIVATION PATHWAY, DEFECT IN, 2. Identifiers: Orphanet 331187, MedGen C3151085, MONDO:0013423, OMIM 613791.

Allele frequency attached by ClinVar (database versions not stated): gnomAD exomes 0.00343 and 0.00911; ExAC 0.01131; gnomAD 0.03457 and 0.03726; 1000 Genomes Project 0.03614; 1000 Genomes Project 30x 0.03857; ESP Exome Variant Server 0.03898; TOPMed 0.03934.
gnomAD v4.1: 10,495 of 1,613,836 alleles (0.65%); highest among the groups gnomAD compares: African/African-American, 12%; 580 homozygotes.

Submissions (3):

Women's Health and Genetics/Laboratory Corporation of America, LabCorp
Classification: Likely benign. Last evaluated: 2026-01-21. Review status: criteria provided, single submitter. Criteria: LabCorp Variant Classification Summary - May 2015. Collection method: clinical testing. Allele origin: germline.

Illumina Laboratory Services, Illumina
Classification: Benign for Immunodeficiency due to MASP-2 deficiency. Last evaluated: 2018-03-06. Review status: criteria provided, single submitter. Criteria: ICSL Variant Classification Criteria 13 December 2019. Collection method: clinical testing. Allele origin: germline.
Comment: This variant was observed in the ICSL laboratory as part of a predisposition screen in an ostensibly healthy population. It had not been previously curated by ICSL or reported in the Human Gene Mutation Database (HGMD: prior to June 1st, 2018), and was therefore a candidate for classification through an automated scoring system. Utilizing variant allele frequency, disease prevalence and penetrance estimates, and inheritance mode, an automated score was calculated to assess if this variant is too frequent to cause the disease. Based on the score and internal cut-off values, a variant classified as benign is not then subjected to further curation. The score for this variant resulted in a classification of benign for this disease.

Breakthrough Genomics
Classification: Benign. Review status: criteria provided, single submitter. Criteria: ACMG Guidelines, 2015. Collection method: not provided. Allele origin: germline. Inheritance: Autosomal recessive inheritance. Affected: yes.

NM_006610.4(MASP2):c.377C>T (p.Pro126Leu)

Gene: MASP2 (MBL associated serine protease 2; minus strand). Cytogenetic location: 1p36.22.
Variant type: single nucleotide variant.
Coding change: c.377C>T on transcript NM_006610.4 (MANE Select); coding-DNA position 377, C replaced by T.
Protein change: p.Pro126Leu; replaces proline 126 with leucine.
Molecular consequence: missense variant.
Genome position (GRCh38, 1-based): chr1:11,046,591, G>A on the plus strand (C>T on the coding strand, the complement: MASP2 is on the minus strand). VCF-style: chr1-11046591-G-A. GRCh37 (hg19) VCF-style: chr1-11106648-G-A.
Other names: c.377C>T, p.Pro126Leu (NM_139208.3); short protein forms P126L.
Identifiers: ClinVar variation 291807 (VCV000291807.7), dbSNP rs56392418, ClinGen allele CA587164.